The following is an entry in ClinVar:

NM_000051.4(ATM):c.5183_5184del (p.Lys1728fs)

Gene: ATM (ATM serine/threonine kinase; plus strand). Cytogenetic location: 11q22.3.
Variant type: Deletion.
Coding change: c.5183_5184del on transcript NM_000051.4 (MANE Select); coding-DNA positions 5183 to 5184, 2 bases deleted (AA; older notation c.5183_5184delAA).
Protein change: p.Lys1728fs; shifts the reading frame from lysine 1728.
Molecular consequence: frameshift variant.
Genome position (GRCh38, 1-based): chr11:108,301,653-108,301,654, AA deleted; deleting any 2 consecutive bases within chr11:108,301,652-108,301,654 gives the same sequence; the c. name uses the placement nearest the transcript's 3' end. VCF-style (leftmost placement, unchanged base first): chr11-108301651-CAA-C. GRCh37 (hg19) VCF-style: chr11-108172378-CAA-C.
Other names: c.5183_5184del, p.Lys1728fs (NM_001351834.2); short protein forms K1728fs.
Identifiers: ClinVar variation 3661621 (VCV003661621.3).

ClinVar aggregate classification (germline): Pathogenic (1 of 4 stars; one submission).
ClinVar aggregate classification (somatic clinical impact): Tier I - Strong (1 of 4 stars; one submission).

Conditions:
Ataxia-telangiectasia syndrome (AT). Also called: LOUIS-BAR SYNDROME; Cerebello-oculocutaneous telangiectasia; Immunodeficiency with ataxia telangiectasia; ATAXIA-TELANGIECTASIA, COMPLEMENTATION GROUP A; ATAXIA-TELANGIECTASIA, FRESNO VARIANT; Ataxia-telangiectasia, complementation group D. Identifiers: Orphanet 100, MedGen C0004135, MONDO:0008840, OMIM 208900.
Diffuse midline glioma, H3 K27M-mutant. Identifiers: MedGen C4289688, MONDO:0957196.

Submissions (2):

Labcorp Genetics (formerly Invitae), Labcorp
Classification: Pathogenic for Ataxia-telangiectasia syndrome. Last evaluated: 2024-08-07. Review status: criteria provided, single submitter. Criteria: Invitae Variant Classification Sherloc (09022015). Collection method: clinical testing. Allele origin: germline.
Comment: This sequence change creates a premature translational stop signal (p.Lys1728Serfs*20) in the ATM gene. It is expected to result in an absent or disrupted protein product. Loss-of-function variants in ATM are known to be pathogenic (PMID: 23807571, 25614872). This variant is not present in population databases (gnomAD no frequency). This variant has not been reported in the literature in individuals affected with ATM-related conditions. For these reasons, this variant has been classified as Pathogenic.

Institute for Genomic Medicine (IGM) Clinical Laboratory, Nationwide Children's Hospital
Classification: Tier I - Strong for Diffuse midline glioma, H3 K27M-mutant. Assertion type: diagnostic. Clinical significance: supports diagnosis. Last evaluated: 2022-12-15. Review status: criteria provided, single submitter. Criteria: AMP/ASCO/CAP Guidelines, 2017. Collection method: clinical testing. Allele origin: somatic. Affected: yes.
Comment: Variant has Tier I (strong) clinical significance as a diagnostic inclusion criterion in diffuse midline glioma, H3 K27M-mutant, based on the following evidence: 1) Appears in one or more well-established professional guidelines (e.g., World Health Organization [WHO]; National Comprehensive Cancer Network [NCCN]) as providing diagnostic, prognostic, or therapeutic information. 2) Information in the literature supports potential biologic effect of variant. 3) Diagnostic for a specific tumor type/classification based on well-powered studies with expert-level consensus (Evidence Level B; PMIDs: 28966033, 29763623, 28912153, 24705252).

Literature cited by the submitters: PubMed 23807571 (cited by Labcorp Genetics (formerly Invitae), Labcorp); PubMed 25614872 (cited by Labcorp Genetics (formerly Invitae), Labcorp); PubMed 28966033 (cited by Institute for Genomic Medicine (IGM) Clinical Laboratory, Nationwide Children's Hospital); PubMed 29763623 (cited by Institute for Genomic Medicine (IGM) Clinical Laboratory, Nationwide Children's Hospital); PubMed 28912153 (cited by Institute for Genomic Medicine (IGM) Clinical Laboratory, Nationwide Children's Hospital); PubMed 24705252 (cited by Institute for Genomic Medicine (IGM) Clinical Laboratory, Nationwide Children's Hospital).